The following is an entry in ClinVar:

NM_024642.5(GALNT12):c.206C>T (p.Pro69Leu)

Gene: GALNT12 (polypeptide N-acetylgalactosaminyltransferase 12; plus strand). Cytogenetic location: 9q22.33.
Variant type: single nucleotide variant.
Coding change: c.206C>T on transcript NM_024642.5 (MANE Select); coding-DNA position 206, C replaced by T.
Protein change: p.Pro69Leu; replaces proline 69 with leucine.
Molecular consequence: missense variant.
Genome position (GRCh38, 1-based): chr9:98,807,904, C>T. VCF-style: chr9-98807904-C-T. GRCh37 (hg19) VCF-style: chr9-101570186-C-T.
Other names: short protein forms P69L.
Identifiers: ClinVar variation 660620 (VCV000660620.9), dbSNP rs1588436255, ClinGen allele CA374222522.
Genomic context (GRCh38, chr9:98,807,904, plus strand): 5'-AGCCGGGACCCCCGCGCACCCCGCGCCCCGGGCGGCGCGAGCCGGTCATGCCGCGGCCGC[C>T]GGTGCCGGCGAACGCGCTGGGCGCGCGGGGCGAGGCGGTGCGGCTGCAGCTGCAGGGCGA-3'
Protein context (NP_078918.3, residues 59-79): GRREPVMPRP[Pro69Leu]VPANALGARG

ClinVar aggregate classification (germline): Uncertain significance. Review status: criteria provided, multiple submitters, no conflicts (2 of 4 stars). 2 submissions from 2 submitters: Uncertain significance (2). Last evaluated 2024-01-11.

gnomAD v4.1: 4 of 1,188,504 alleles (0.00034%); highest among the groups gnomAD compares: Admixed American, 0.014%; no homozygotes.

Submissions (2):

Ambry Genetics
Classification: Uncertain significance. Last evaluated: 2024-01-11. Review status: criteria provided, single submitter. Criteria: Ambry Variant Classification Scheme 2023. Collection method: clinical testing. Allele origin: germline.
Comment: The p.P69L variant (also known as c.206C>T), located in coding exon 1 of the GALNT12 gene, results from a C to T substitution at nucleotide position 206. The proline at codon 69 is replaced by leucine, an amino acid with similar properties. This amino acid position is conserved. In addition, this alteration is predicted to be tolerated by in silico analysis. Since supporting evidence is limited at this time, the clinical significance of this alteration remains unclear.

Labcorp Genetics (formerly Invitae), Labcorp
Classification: Uncertain significance. Last evaluated: 2018-07-15. Review status: criteria provided, single submitter. Criteria: Invitae Variant Classification Sherloc (09022015). Collection method: clinical testing. Allele origin: germline.
Comment: While this variant is not present in population databases, the frequency information is unreliable, as metrics indicate poor data quality at this position in the ExAC database. This sequence change replaces proline with leucine at codon 69 of the GALNT12 protein (p.Pro69Leu). The proline residue is weakly conserved and there is a moderate physicochemical difference between proline and leucine. This variant has not been reported in the literature in individuals with GALNT12-related disease. In summary, the available evidence is currently insufficient to determine the role of this variant in disease. Therefore, it has been classified as a Variant of Uncertain Significance. Algorithms developed to predict the effect of missense changes on protein structure and function are either unavailable or do not agree on the potential impact of this missense change (SIFT: "Tolerated"; PolyPhen-2: "Probably Damaging"; Align-GVGD: "Class C0").